The following is an entry in ClinVar:

NM_003072.5(SMARCA4):c.416C>T (p.Pro139Leu)

Gene: SMARCA4 (SWI/SNF related BAF chromatin remodeling complex subunit ATPase 4; plus strand). Cytogenetic location: 19p13.2.
Variant type: single nucleotide variant.
Coding change: c.416C>T on transcript NM_003072.5 (MANE Select); coding-DNA position 416, C replaced by T.
Protein change: p.Pro139Leu; replaces proline 139 with leucine.
Molecular consequence: missense variant. On other transcripts: non-coding transcript variant (1).
Genome position (GRCh38, 1-based): chr19:10,986,249, C>T. VCF-style: chr19-10986249-C-T. GRCh37 (hg19) VCF-style: chr19-11096925-C-T.
Other names: c.416C>T, p.Pro139Leu (NM_001128844.3, NM_001128845.2, NM_001128846.2 and 5 more transcripts); c.416C>T (NM_001128849.2); short protein forms P139L.
Identifiers: ClinVar variation 238450 (VCV000238450.20), dbSNP rs762023872, ClinGen allele CA9203503.

ClinVar aggregate classification (germline): Conflicting classifications of pathogenicity. Review status: criteria provided, conflicting classifications (1 of 4 stars). 5 submissions from 5 submitters: Uncertain significance (4); Likely benign (1). Last evaluated 2026-01-20.

Conditions:
Rhabdoid tumor predisposition syndrome 2 (RTPS2). Identifiers: Orphanet 231108, Orphanet 69077, MedGen C2750074, MONDO:0013224, OMIM 613325.
Otosclerosis 12. Identifiers: MedGen C5935610, MONDO:0968980, OMIM 620792.
Intellectual disability, autosomal dominant 16 (CSS4). Also called: COFFIN-SIRIS SYNDROME 4. Identifiers: Orphanet 1465, MedGen C3553249, MONDO:0013821, OMIM 614609.
Hereditary cancer-predisposing syndrome. Also called: Neoplastic Syndromes, Hereditary; Hereditary neoplastic syndrome; Tumor predisposition; Hereditary Cancer Syndrome. Identifiers: Orphanet 140162, MedGen C0027672, MeSH D009386, MONDO:0015356.

Allele frequency attached by ClinVar (database versions not stated): gnomAD exomes 0.00001; ExAC 0.00002; TOPMed 0.00003; gnomAD 0.00005 and 0.00006.
gnomAD v4.1: 20 of 1,613,762 alleles (0.0012%); highest among the groups gnomAD compares: Middle Eastern, 0.016%; no homozygotes.

Submissions (5):

Labcorp Genetics (formerly Invitae), Labcorp
Classification: Uncertain significance for Rhabdoid tumor predisposition syndrome 2. Last evaluated: 2026-01-20. Review status: criteria provided, single submitter. Criteria: Invitae Variant Classification Sherloc (09022015). Collection method: clinical testing. Allele origin: germline.
Comment: This sequence change replaces proline, which is neutral and non-polar, with leucine, which is neutral and non-polar, at codon 139 of the SMARCA4 protein (p.Pro139Leu). This variant is present in population databases (rs762023872, gnomAD 0.01%). This variant has not been reported in the literature in individuals affected with SMARCA4-related conditions. ClinVar contains an entry for this variant (Variation ID: 238450). Invitae Evidence Modeling of protein sequence and biophysical properties (such as structural, functional, and spatial information, amino acid conservation, physicochemical variation, residue mobility, and thermodynamic stability) has been performed for this missense variant. However, the output from this modeling did not meet the statistical confidence thresholds required to predict the impact of this variant on SMARCA4 protein function. In summary, the available evidence is currently insufficient to determine the role of this variant in disease. Therefore, it has been classified as a Variant of Uncertain Significance.

Fulgent Genetics
Classification: Uncertain significance for Rhabdoid tumor predisposition syndrome 2; Intellectual disability, autosomal dominant 16; Otosclerosis 12. Last evaluated: 2024-04-16. Review status: criteria provided, single submitter. Criteria: ACMG Guidelines, 2015. Collection method: clinical testing. Allele origin: germline.

Baylor Genetics
Classification: Uncertain significance for Rhabdoid tumor predisposition syndrome 2. Last evaluated: 2023-11-12. Review status: criteria provided, single submitter. Criteria: ACMG Guidelines, 2015. Collection method: clinical testing. Allele origin: unknown.

Ambry Genetics
Classification: Likely benign for Hereditary cancer-predisposing syndrome. Last evaluated: 2022-11-10. Review status: criteria provided, single submitter. Criteria: Ambry Variant Classification Scheme 2023. Collection method: clinical testing. Allele origin: germline.

Genome-Nilou Lab
Classification: Uncertain significance for Intellectual disability, autosomal dominant 16. Last evaluated: 2021-07-15. Review status: criteria provided, single submitter. Criteria: ACMG Guidelines, 2015. Collection method: clinical testing. Allele origin: germline. Affected: no.